The following is an entry in ClinVar:

ClinVar aggregate classification (germline): Uncertain significance (1 of 4 stars; one submission).

Submission:

GeneDx
Classification: Uncertain significance. Last evaluated: 2022-05-25. Review status: criteria provided, single submitter. Criteria: GeneDx Variant Classification Process June 2021. Collection method: clinical testing. Allele origin: germline. Affected: yes.
Comment: Not observed at significant frequency in large population cohorts (gnomAD); In silico analysis supports that this missense variant has a deleterious effect on protein structure/function; Has not been previously published as pathogenic or benign to our knowledge; Variants in candidate genes are classified as variants of uncertain significance in accordance with ACMG guidelines (Richards et al., 2015)

NM_015057.5(MYCBP2):c.12452C>T (p.Ser4151Phe)

Gene: MYCBP2 (MYC binding protein 2; minus strand). Cytogenetic location: 13q22.3.
Variant type: single nucleotide variant.
Coding change: c.12452C>T on transcript NM_015057.5 (MANE Select); coding-DNA position 12452, C replaced by T.
Protein change: p.Ser4151Phe; replaces serine 4151 with phenylalanine.
Molecular consequence: missense variant.
Genome position (GRCh38, 1-based): chr13:77,067,584, G>A on the plus strand (C>T on the coding strand, the complement: MYCBP2 is on the minus strand). VCF-style: chr13-77067584-G-A. GRCh37 (hg19) VCF-style: chr13-77641719-G-A.
Other names: short protein forms S4151F.
Identifiers: ClinVar variation 1801170 (VCV001801170.1), dbSNP rs2502374985, ClinGen allele CA388375754.
Genomic context (GRCh38, chr13:77,067,584, plus strand): 5'-TCTGAACAGTAGCTCACTCTATTCTGTTTTGGTACTAAAATAGAGGCAATAACTAACCTG[G>A]AATTGAAAATCATCGGAAGAGTAACTGTTGTAACTCCTTTGCCCACAGTGGTACCAGCTG-3'
Protein context (NP_055872.4, residues 4141-4161): TTVTLPMIFN[Ser4151Phe]SYLRRGESHW